The following is an entry in ClinVar:

NM_000548.5(TSC2):c.661G>C (p.Val221Leu)

Gene: TSC2 (TSC complex subunit 2; plus strand). Cytogenetic location: 16p13.3.
Variant type: single nucleotide variant.
Coding change: c.661G>C on transcript NM_000548.5 (MANE Select); coding-DNA position 661, G replaced by C.
Protein change: p.Val221Leu; replaces valine 221 with leucine.
Molecular consequence: missense variant. On other transcripts: non-coding transcript variant (5), 5 prime UTR variant (10).
Genome position (GRCh38, 1-based): chr16:2,056,656, G>C. VCF-style: chr16-2056656-G-C. GRCh37 (hg19) VCF-style: chr16-2106657-G-C.
Other names: c.-771G>C (NM_001406689.1, NM_001406690.1, NM_001406691.1 and 4 more transcripts); c.-652G>C (NM_001406694.1, NM_001406695.1); c.-947G>C (NM_001406698.1); c.661G>C, p.Val221Leu (NM_021055.3, NM_001077183.3, NM_001114382.3 and 6 more transcripts); c.550G>C, p.Val184Leu (NM_001318827.2, NM_001406670.1, NM_001406678.1); c.514G>C, p.Val172Leu (NM_001318829.2, NM_001406675.1, NM_001406676.1 and 1 more transcripts); c.61G>C, p.Val21Leu (NM_001318831.2, NM_001406680.1, NM_001406682.1 and 6 more transcripts); c.694G>C, p.Val232Leu (NM_001318832.2); and 4 more; short protein forms V172L, V184L, V202L, V217L, V21L, V221L, V232L, V251L.
Identifiers: ClinVar variation 2645967 (VCV002645967.24), dbSNP rs1567408059, ClinGen allele CA394312393.

ClinVar aggregate classification (germline): Uncertain significance (1 of 4 stars; one submission).

Submission:

CeGaT Center for Human Genetics Tuebingen
Classification: Uncertain significance. Last evaluated: 2022-06-01. Review status: criteria provided, single submitter. Criteria: CeGaT Center For Human Genetics Tuebingen Variant Classification Criteria Version 2. Collection method: clinical testing. Allele origin: germline. Affected: yes. Observed: 1 variant allele.
Comment: TSC2: PM2